The following is an entry in ClinVar:

NM_000138.5(FBN1):c.2877C>A (p.Phe959Leu)

Gene: FBN1 (fibrillin 1; minus strand). Cytogenetic location: 15q21.1.
Variant type: single nucleotide variant.
Coding change: c.2877C>A on transcript NM_000138.5 (MANE Select); coding-DNA position 2877, C replaced by A.
Protein change: p.Phe959Leu; replaces phenylalanine 959 with leucine.
Molecular consequence: missense variant.
Genome position (GRCh38, 1-based): chr15:48,490,056, G>T on the plus strand (C>A on the coding strand, the complement: FBN1 is on the minus strand). VCF-style: chr15-48490056-G-T. GRCh37 (hg19) VCF-style: chr15-48782253-G-T.
Other names: short protein forms F959L.
Identifiers: ClinVar variation 457183 (VCV000457183.10), dbSNP rs1411365281, ClinGen allele CA392330100.

ClinVar aggregate classification (germline): Uncertain significance. Review status: criteria provided, multiple submitters, no conflicts (2 of 4 stars). 3 submissions from 3 submitters: Uncertain significance (3). Last evaluated 2026-07-10.

Conditions:
Familial thoracic aortic aneurysm and aortic dissection (TAAD). Also called: Thoracic aortic aneurysms and dissections. Identifiers: Orphanet 91387, MedGen C4707243, MONDO:0019625.
Marfan syndrome (MFS). Also called: Marfan syndrome type 1; Marfan's syndrome; MARFAN SYNDROME, TYPE I; FBN1-Related Marfan Syndrome; Marfan syndrome, classic. Identifiers: Orphanet 284963, Orphanet 558, MedGen C0024796, MONDO:0007947, OMIM 154700.

Allele frequency attached by ClinVar (database versions not stated): gnomAD exomes 0.00001.
gnomAD v4.1: 3 of 1,614,156 alleles (0.00019%); highest among the groups gnomAD compares: Admixed American, 0.005%; no homozygotes.

Submissions (3):

Ambry Genetics
Classification: Uncertain significance for Familial thoracic aortic aneurysm and aortic dissection. Last evaluated: 2026-07-10. Review status: criteria provided, single submitter. Criteria: Ambry Variant Classification Scheme 2023. Collection method: clinical testing. Allele origin: germline.
Comment: The p.F959L variant (also known as c.2877C>A), located in coding exon 24 of the FBN1 gene, results from a C to A substitution at nucleotide position 2877. The phenylalanine at codon 959 is replaced by leucine, an amino acid with highly similar properties. This amino acid position is conserved. In addition, the in silico prediction for this alteration is inconclusive. Based on the available evidence, the clinical significance of this variant remains unclear.

All of Us Research Program, National Institutes of Health
Classification: Uncertain significance for Marfan syndrome. Last evaluated: 2024-03-05. Review status: criteria provided, single submitter. Criteria: ACMG Guidelines, 2015. Collection method: clinical testing. Allele origin: germline. Inheritance: Autosomal dominant inheritance. Observed: 1 variant allele, 1 heterozygote.
Comment: This study involves interpretation of variants in research participants for the purpose of population health screening. Participant phenotype was not available at the time of variant classification. Additional details can be found in publication PMID: 35346344, PMCID: PMC8962531

Labcorp Genetics (formerly Invitae), Labcorp
Classification: Uncertain significance for Marfan syndrome; Familial thoracic aortic aneurysm and aortic dissection. Last evaluated: 2017-06-19. Review status: criteria provided, single submitter. Criteria: Invitae Variant Classification Sherloc (09022015). Collection method: clinical testing. Allele origin: germline.
Comment: In summary, this variant has uncertain impact on FBN1 function. The available evidence is currently insufficient to determine its role in disease. Therefore, it has been classified as a Variant of Uncertain Significance. Algorithms developed to predict the effect of missense changes on protein structure and function (SIFT, PolyPhen-2, Align-GVGD) all suggest that this variant is likely to be tolerated, but these predictions have not been confirmed by published functional studies and their clinical significance is uncertain. This variant has not been reported in the literature in individuals with a FBN1-related disease. This variant is not present in population databases (ExAC no frequency). This sequence change replaces phenylalanine with leucine at codon 959 of the FBN1 protein (p.Phe959Leu). The phenylalanine residue is moderately conserved and there is a small physicochemical difference between phenylalanine and leucine.